The following is an entry in ClinVar:

ClinVar aggregate classification (germline): Uncertain significance. Review status: criteria provided, multiple submitters, no conflicts (2 of 4 stars). 2 submissions from 2 submitters: Uncertain significance (2). Last evaluated 2025-06-08.

Conditions:
Hereditary cancer-predisposing syndrome. Also called: Tumor predisposition; Hereditary neoplastic syndrome; Neoplastic Syndromes, Hereditary; Hereditary Cancer Syndrome. Identifiers: Orphanet 140162, MedGen C0027672, MeSH D009386, MONDO:0015356.

Allele frequency attached by ClinVar (database versions not stated): gnomAD exomes below 0.00001.
gnomAD v4.1: 1 of 1,614,200 alleles (0.000062%); highest among the groups gnomAD compares: Non-Finnish European, 0.000085%; no homozygotes.

Submissions (2):

Labcorp Genetics (formerly Invitae), Labcorp
Classification: Uncertain significance. Last evaluated: 2025-06-08. Review status: criteria provided, single submitter. Criteria: Invitae Variant Classification Sherloc (09022015). Collection method: clinical testing. Allele origin: germline.
Comment: This sequence change replaces serine, which is neutral and polar, with glycine, which is neutral and non-polar, at codon 334 of the FH protein (p.Ser334Gly). This variant is present in population databases (no rsID available, gnomAD 0.0009%). This variant has not been reported in the literature in individuals affected with FH-related conditions. ClinVar contains an entry for this variant (Variation ID: 818243). Invitae Evidence Modeling of protein sequence and biophysical properties (such as structural, functional, and spatial information, amino acid conservation, physicochemical variation, residue mobility, and thermodynamic stability) indicates that this missense variant is expected to disrupt FH protein function with a positive predictive value of 80%. In summary, the available evidence is currently insufficient to determine the role of this variant in disease. Therefore, it has been classified as a Variant of Uncertain Significance.

Ambry Genetics
Classification: Uncertain significance for Hereditary cancer-predisposing syndrome. Last evaluated: 2025-05-08. Review status: criteria provided, single submitter. Criteria: Ambry Variant Classification Scheme 2023. Collection method: clinical testing. Allele origin: germline.
Comment: The p.S334G variant (also known as c.1000A>G), located in coding exon 7 of the FH gene, results from an A to G substitution at nucleotide position 1000. The serine at codon 334 is replaced by glycine, an amino acid with similar properties. This amino acid position is highly conserved in available vertebrate species. In addition, this alteration is predicted to be deleterious by in silico analysis. Based on the available evidence, the clinical significance of this variant remains unclear.

NM_000143.4(FH):c.1000A>G (p.Ser334Gly)

Gene: FH (fumarate hydratase; minus strand). Cytogenetic location: 1q43.
Variant type: single nucleotide variant.
Coding change: c.1000A>G on transcript NM_000143.4 (MANE Select); coding-DNA position 1000, A replaced by G.
Protein change: p.Ser334Gly; replaces serine 334 with glycine.
Molecular consequence: missense variant.
Genome position (GRCh38, 1-based): chr1:241,504,150, T>C on the plus strand (A>G on the coding strand, the complement: FH is on the minus strand). VCF-style: chr1-241504150-T-C. GRCh37 (hg19) VCF-style: chr1-241667450-T-C.
Other names: short protein forms S334G.
Identifiers: ClinVar variation 818243 (VCV000818243.10), dbSNP rs587782216, ClinGen allele CA345438250.